The following is an entry in ClinVar:

NM_003673.3(TCAP):c.-18A>G

Gene: TCAP (titin-cap; plus strand). Cytogenetic location: 17q12.
Variant type: single nucleotide variant.
Coding change: c.-18A>G on transcript NM_003673.3; 18 bases upstream of the start codon, A replaced by G.
Genome position (GRCh38, 1-based): chr17:39,665,342, A>G. VCF-style: chr17-39665342-A-G. GRCh37 (hg19) VCF-style: chr17-37821595-A-G.
Identifiers: ClinVar variation 510785 (VCV000510785.3), dbSNP rs45550442, ClinGen allele CA8532813.

ClinVar aggregate classification (germline): Likely benign (1 of 4 stars; one submission).

Allele frequency attached by ClinVar (database versions not stated): TOPMed 0.00011; ExAC 0.00013; gnomAD exomes 0.00006 and 0.00014; gnomAD 0.00007 and 0.00004; ESP Exome Variant Server 0.00015.

Submission:

GeneDx
Classification: Likely benign. Last evaluated: 2017-07-13. Review status: criteria provided, single submitter. Criteria: GeneDx Variant Classification (06012015). Collection method: clinical testing. Allele origin: germline. Affected: yes.
Comment: This variant is considered likely benign or benign based on one or more of the following criteria: it is a conservative change, it occurs at a poorly conserved position in the protein, it is predicted to be benign by multiple in silico algorithms, and/or has population frequency not consistent with disease.